The following is an entry in ClinVar:

NM_001347721.2(DYRK1A):c.1480C>G (p.Gln494Glu)

Gene: DYRK1A (dual specificity tyrosine phosphorylation regulated kinase 1A; plus strand). Cytogenetic location: 21q22.13.
Variant type: single nucleotide variant.
Coding change: c.1480C>G on transcript NM_001347721.2 (MANE Select); coding-DNA position 1480, C replaced by G.
Protein change: p.Gln494Glu; replaces glutamine 494 with glutamic acid.
Molecular consequence: missense variant.
Genome position (GRCh38, 1-based): chr21:37,505,550, C>G. VCF-style: chr21-37505550-C-G. GRCh37 (hg19) VCF-style: chr21-38877853-C-G.
Other names: c.1480C>G, p.Gln494Glu (NM_001347722.2, NM_130436.2); c.1393C>G, p.Gln465Glu (NM_001347723.2); c.1507C>G, p.Gln503Glu (NM_001396.5, NM_101395.2, NM_130438.2); short protein forms Q503E, Q465E, Q494E.
Identifiers: ClinVar variation 3661762 (VCV003661762.2).

ClinVar aggregate classification (germline): Uncertain significance (1 of 4 stars; one submission).

Conditions:
DYRK1A-related intellectual disability syndrome (MRD7). Also called: Intellectual developmental disorder, autosomal dominant 7; DYRK1A Syndrome. Identifiers: Orphanet 464306, MedGen C5568143, MONDO:0013578, OMIM 614104.

Submission:

Labcorp Genetics (formerly Invitae), Labcorp
Classification: Uncertain significance for DYRK1A-related intellectual disability syndrome. Last evaluated: 2024-08-08. Review status: criteria provided, single submitter. Criteria: Invitae Variant Classification Sherloc (09022015). Collection method: clinical testing. Allele origin: germline.
Comment: This sequence change replaces glutamine, which is neutral and polar, with glutamic acid, which is acidic and polar, at codon 503 of the DYRK1A protein (p.Gln503Glu). This variant is not present in population databases (gnomAD no frequency). This variant has not been reported in the literature in individuals affected with DYRK1A-related conditions. Advanced modeling of protein sequence and biophysical properties (such as structural, functional, and spatial information, amino acid conservation, physicochemical variation, residue mobility, and thermodynamic stability) performed at Invitae indicates that this missense variant is not expected to disrupt DYRK1A protein function with a negative predictive value of 80%. In summary, the available evidence is currently insufficient to determine the role of this variant in disease. Therefore, it has been classified as a Variant of Uncertain Significance.